The following is an entry in ClinVar:

NM_001267550.2(TTN):c.21173G>A (p.Gly7058Asp)

Genes: TTN (titin; minus strand), LOC126806428 (BRD4-independent group 4 enhancer GRCh37_chr2:179588362-179589561; plus strand). Cytogenetic location: 2q31.2.
Variant type: single nucleotide variant.
Coding change: c.21173G>A on transcript NM_001267550.2 (MANE Select); coding-DNA position 21173, G replaced by A.
Protein change: p.Gly7058Asp; replaces glycine 7058 with aspartic acid.
Molecular consequence: missense variant. On other transcripts: intron variant (3).
Genome position (GRCh38, 1-based): chr2:178,724,086, C>T on the plus strand (G>A on the coding strand, the complement: TTN is on the minus strand). VCF-style: chr2-178724086-C-T. GRCh37 (hg19) VCF-style: chr2-179588813-C-T.
Other names: p.G6741D:GGT>GAT; p.Gly6741Asp; c.20222G>A, p.Gly6741Asp (NM_001256850.1); c.17441G>A, p.Gly5814Asp (NM_133378.4); c.13282+13996G>A (NM_003319.4); c.13858+13996G>A (NM_133437.4); c.13657+13996G>A (NM_133432.3); short protein forms G7058D, G5814D, G6741D.
Identifiers: ClinVar variation 46682 (VCV000046682.66), dbSNP rs72648964, ClinGen allele CA282803.

ClinVar aggregate classification (germline): Conflicting classifications of pathogenicity. Review status: criteria provided, conflicting classifications (1 of 4 stars). 21 submissions from 17 submitters: Uncertain significance (1); Benign (11); Likely benign (6). 3 of the submissions do not count toward it. Last evaluated 2026-09-01.

Conditions:
Dilated cardiomyopathy 1G (CMD1G). Identifiers: Orphanet 154, MedGen C1858763, MONDO:0011400, OMIM 604145.
Autosomal recessive limb-girdle muscular dystrophy type 2J (LGMDR10). Also called: MUSCULAR DYSTROPHY, LIMB-GIRDLE, AUTOSOMAL RECESSIVE 10; Limb-girdle muscular dystrophy, type 2J. Identifiers: Orphanet 140922, MedGen C1837342, MONDO:0012127, OMIM 608807.
Cardiovascular phenotype. Identifiers: MedGen CN230736.
Early-onset myopathy with fatal cardiomyopathy (CMYO5). Also called: CONGENITAL MYOPATHY 5 WITH CARDIOMYOPATHY; Salih Myopathy. Identifiers: Orphanet 289377, MedGen C2673677, MONDO:0012714, OMIM 611705. Disease mechanism: loss of function.
Myopathy, myofibrillar, 9, with early respiratory failure (MFM9). Also called: Myopathy, distal, with early respiratory failure, autosomal dominant; Hereditary myopathy with early respiratory failure; MYOPATHY, PROXIMAL, WITH EARLY RESPIRATORY MUSCLE INVOLVEMENT; EDSTROM MYOPATHY. Identifiers: Orphanet 178464, Orphanet 34521, MedGen C1863599, MONDO:0011362, OMIM 603689.
Tibial muscular dystrophy (TMD). Also called: Udd Distal Myopathy – Tibial Muscular Dystrophy; Tibial muscular dystrophy, tardive; UDD MYOPATHY. Identifiers: Orphanet 609, MedGen C1838244, MONDO:0010870, OMIM 600334.

Allele frequency attached by ClinVar (database versions not stated): 1000 Genomes Project 30x 0.00406; gnomAD exomes 0.00095 and 0.00180; gnomAD 0.00354 and 0.00335; 1000 Genomes Project 0.00379; ESP Exome Variant Server 0.00274; ExAC 0.00171; TOPMed 0.00395.
gnomAD v4.1: 1,983 of 1,613,314 alleles (0.12%); highest among the groups gnomAD compares: African/African-American, 0.91%; 10 homozygotes.

Submissions (21):

CeGaT Center for Human Genetics Tuebingen
Classification: Benign. Last evaluated: 2026-09-01. Review status: criteria provided, single submitter. Criteria: CeGaT Center For Human Genetics Tuebingen Variant Classification Criteria Version 2. Collection method: clinical testing. Allele origin: germline. Affected: yes. Observed: 49 variant alleles.
Comment: TTN: BS1, BS2

Labcorp Genetics (formerly Invitae), Labcorp
Classification: Benign for Dilated cardiomyopathy 1G; Autosomal recessive limb-girdle muscular dystrophy type 2J. Last evaluated: 2026-02-03. Review status: criteria provided, single submitter. Criteria: Invitae Variant Classification Sherloc (09022015). Collection method: clinical testing. Allele origin: germline.

Molecular Diagnostic Laboratory for Inherited Cardiovascular Disease, Montreal Heart Institute
Classification: Likely benign. Last evaluated: 2025-04-09. Review status: criteria provided, single submitter. Criteria: ACMG Guidelines, 2015. Collection method: clinical testing. Allele origin: germline. Affected: no.

ARUP Laboratories, Molecular Genetics and Genomics, ARUP Laboratories
Classification: Likely benign. Last evaluated: 2025-03-27. Review status: criteria provided, single submitter. Criteria: ARUP Molecular Germline Variant Investigation Process 2024. Collection method: clinical testing. Allele origin: germline.

Blueprint Genetics
Classification: Likely benign. Last evaluated: 2024-11-26. Review status: criteria provided, single submitter. Criteria: ACMG Guidelines, 2015. Collection method: clinical testing. Allele origin: germline.

Mayo Clinic Laboratories, Mayo Clinic
Classification: Benign. Last evaluated: 2024-06-10. Review status: criteria provided, single submitter. Criteria: ACMG Guidelines, 2015. Collection method: clinical testing. Allele origin: germline. Observed: 8 variant alleles.
Comment: BS1, BS2

Women's Health and Genetics/Laboratory Corporation of America, LabCorp
Classification: Benign. Last evaluated: 2021-03-15. Review status: criteria provided, single submitter. Criteria: LabCorp Variant Classification Summary - May 2015. Collection method: clinical testing. Allele origin: germline.
Comment: Variant summary: TTN c.17441G>A (p.Gly5814Asp) results in a non-conservative amino acid change located in the I-band region of the encoded protein sequence. Four of five in-silico tools predict a damaging effect of the variant on protein function. The variant allele was found at a frequency of 0.0033 in 150884 control chromosomes, including 3 homozygotes (gnomAD v 3.1, genomes dataset). The variant was predominantly reported within the African or African-American subpopulation at a frequency of 0.009. The observed variant frequency within African or African-American control individuals in the gnomAD database is approximately 15-fold of the estimated maximal expected allele frequency for a pathogenic variant in TTN causing Cardiomyopathy phenotype (0.00063), strongly suggesting that the variant is a benign polymorphism found primarily in populations of African or African-American origin. c.17441G>A has been reported in the literature in individuals affected with various cardiac phenotypes, including dilated- and hypertrophic cardiomyopathy, and arrhythmias (e.g. Pugh_2014, Haas_2015, Campuzano_2015, Sanchez_2016). These reports do not provide unequivocal conclusions about association of the variant with Cardiomyopathy. To our knowledge, no experimental evidence demonstrating an impact on protein function has been reported. Five other clinical diagnostic laboratories have submitted clinical-significance assessments for this variant to ClinVar after 2014 without evidence for independent evaluation, and classified the variant as benign (n=4) / likely benign (n=1). Based on the evidence outlined above, the variant was classified as benign.

Illumina Laboratory Services, Illumina
Classification: Likely benign for Early-onset myopathy with fatal cardiomyopathy. Last evaluated: 2018-01-12. Review status: criteria provided, single submitter. Criteria: ICSL Variant Classification Criteria 13 December 2019. Collection method: clinical testing. Allele origin: germline.
Comment: This variant was observed in the ICSL laboratory as part of a predisposition screen in an ostensibly healthy population. It had not been previously curated by ICSL or reported in the Human Gene Mutation Database (HGMD: prior to June 1st, 2018), and was therefore a candidate for classification through an automated scoring system. Utilizing variant allele frequency, disease prevalence and penetrance estimates, and inheritance mode, an automated score was calculated to assess if this variant is too frequent to cause the disease. Based on the score and internal cut-off values, a variant classified as likely benign is not then subjected to further curation. The score for this variant resulted in a classification of likely benign for this disease.

Illumina Laboratory Services, Illumina
Classification: Benign for Myopathy, myofibrillar, 9, with early respiratory failure. Last evaluated: 2018-01-12. Review status: criteria provided, single submitter. Criteria: ICSL Variant Classification Criteria 13 December 2019. Collection method: clinical testing. Allele origin: germline.
Comment: This variant was observed in the ICSL laboratory as part of a predisposition screen in an ostensibly healthy population. It had not been previously curated by ICSL or reported in the Human Gene Mutation Database (HGMD: prior to June 1st, 2018), and was therefore a candidate for classification through an automated scoring system. Utilizing variant allele frequency, disease prevalence and penetrance estimates, and inheritance mode, an automated score was calculated to assess if this variant is too frequent to cause the disease. Based on the score and internal cut-off values, a variant classified as benign is not then subjected to further curation. The score for this variant resulted in a classification of benign for this disease.

Illumina Laboratory Services, Illumina
Classification: Uncertain significance for Autosomal recessive limb-girdle muscular dystrophy type 2J. Last evaluated: 2018-01-12. Review status: criteria provided, single submitter. Criteria: ICSL Variant Classification Criteria 13 December 2019. Collection method: clinical testing. Allele origin: germline.

Illumina Laboratory Services, Illumina
Classification: Likely benign for Dilated cardiomyopathy 1G. Last evaluated: 2018-01-12. Review status: criteria provided, single submitter. Criteria: ICSL Variant Classification Criteria 13 December 2019. Collection method: clinical testing. Allele origin: germline.
Comment: the same text as in the submission from Illumina Laboratory Services, Illumina above.

Illumina Laboratory Services, Illumina
Classification: Benign for Tibial muscular dystrophy. Last evaluated: 2018-01-12. Review status: criteria provided, single submitter. Criteria: ICSL Variant Classification Criteria 13 December 2019. Collection method: clinical testing. Allele origin: germline.
Comment: the same text as in the submission from Illumina Laboratory Services, Illumina above.

Laboratory for Molecular Medicine, Mass General Brigham Personalized Medicine
Classification: Benign. Last evaluated: 2017-12-08. Review status: criteria provided, single submitter. Criteria: LMM Criteria. Collection method: clinical testing. Allele origin: germline. Observed: 8 variant alleles.
Comment: p.Gly5814Asp in exon 70 of TTN: This variant is not expected to have clinical si gnificance because it has been identified in 1.8% (179/10100) of African chromos omes African chromosomes by the Genome Aggregation Database (gnomAD; dbSNP rs72648964) BA1

Genetic Services Laboratory, University of Chicago
Classification: Benign. Last evaluated: 2016-09-02. Review status: criteria provided, single submitter. Criteria: ACMG Guidelines, 2015. Collection method: clinical testing. Allele origin: germline. Affected: no.

Eurofins Ntd Llc (ga)
Classification: Benign. Last evaluated: 2015-11-10. Review status: criteria provided, single submitter. Criteria: EGL Classification Definitions 2015. Collection method: clinical testing. Allele origin: germline. Observed: 1 variant allele, 1 heterozygote.

Ambry Genetics
Classification: Likely benign for Cardiovascular phenotype. Last evaluated: 2013-10-18. Review status: criteria provided, single submitter. Criteria: Ambry Autosomal Dominant and X-Linked criteria (10/2015). Collection method: clinical testing. Allele origin: germline. Observed: 1 variant allele.

Biesecker Lab/Clinical Genomics Section, National Institutes of Health
Classification: Benign. Last evaluated: 2013-06-24. Review status: criteria provided, single submitter. Criteria: Ng et al. (Circ Cardiovasc Genet. 2013). Collection method: research. Allele origin: unknown. Observed: 7 variant alleles. Study: ClinSeq.
Comment: The study set was not selected for affection status in relation to any cancer. Pathogenicity categories were based on literature curation. See Pubmed ID:23861362 for details.

Medical sequencing

GeneDx
Classification: Benign. Last evaluated: 2013-04-26. Review status: criteria provided, single submitter. Criteria: GeneDx Variant Classification (06012015). Collection method: clinical testing. Allele origin: germline. Affected: yes.
Comment: This variant is considered likely benign or benign based on one or more of the following criteria: it is a conservative change, it occurs at a poorly conserved position in the protein, it is predicted to be benign by multiple in silico algorithms, and/or has population frequency not consistent with disease.

Clinical Genetics DNA and cytogenetics Diagnostics Lab, Erasmus MC, Erasmus Medical Center
Classification: Benign. Review status: no assertion criteria provided. Collection method: clinical testing. Allele origin: germline. Affected: yes. Study: VKGL Data-share Consensus. Not counted in ClinVar's aggregate classification.

Clinical Genetics, Academic Medical Center
Classification: Benign. Review status: no assertion criteria provided. Collection method: clinical testing. Allele origin: germline. Affected: yes. Study: VKGL Data-share Consensus. Not counted in ClinVar's aggregate classification.

Diagnostic Laboratory, Department of Genetics, University Medical Center Groningen
Classification: Likely benign. Review status: no assertion criteria provided. Collection method: clinical testing. Allele origin: germline. Affected: yes. Study: VKGL Data-share Consensus. Not counted in ClinVar's aggregate classification.

Literature cited by the submitters: PubMed 25163546 (cited by Mayo Clinic Laboratories, Mayo Clinic and Women's Health and Genetics/Laboratory Corporation of America, LabCorp); PubMed 24503780 (cited by Women's Health and Genetics/Laboratory Corporation of America, LabCorp); PubMed 27930701 (cited by Women's Health and Genetics/Laboratory Corporation of America, LabCorp); PubMed 26516846 (cited by Women's Health and Genetics/Laboratory Corporation of America, LabCorp).